The following is an entry in ClinVar:

NM_020975.6(RET):c.1547C>T (p.Pro516Leu)

Gene: RET (ret proto-oncogene; plus strand). Cytogenetic location: 10q11.21.
Variant type: single nucleotide variant.
Coding change: c.1547C>T on transcript NM_020975.6 (MANE Select); coding-DNA position 1547, C replaced by T.
Protein change: p.Pro516Leu; replaces proline 516 with leucine.
Molecular consequence: missense variant.
Genome position (GRCh38, 1-based): chr10:43,112,123, C>T. VCF-style: chr10-43112123-C-T. GRCh37 (hg19) VCF-style: chr10-43607571-C-T.
Other names: c.1547C>T, p.Pro516Leu (NM_000323.2, NM_001406743.1, NM_001406744.1 and 6 more transcripts); c.785C>T, p.Pro262Leu (NM_001355216.2); c.1418C>T, p.Pro473Leu (NM_001406761.1, NM_001406762.1, NM_001406764.1 and 1 more transcripts); c.1259C>T, p.Pro420Leu (NM_001406766.1, NM_001406767.1, NM_001406770.1); c.1151C>T, p.Pro384Leu (NM_001406769.1, NM_001406772.1); c.1109C>T, p.Pro370Leu (NM_001406771.1, NM_001406773.1); c.1022C>T, p.Pro341Leu (NM_001406774.1); c.821C>T, p.Pro274Leu (NM_001406775.1, NM_001406776.1, NM_001406777.1 and 1 more transcripts); and 5 more; short protein forms P121L, P33L, P420L, P274L, P473L, P186L, P217L, P370L.
Identifiers: ClinVar variation 1774959 (VCV001774959.3), dbSNP rs1194200337, ClinGen allele CA376550298.
Genomic context (GRCh38, chr10:43,112,123, plus strand): 5'-CAGCCCCCTGTGACCCTGCTTGTCTGCCACCTGCAGATGTGGCCGAGGAGGCGGGCTGCC[C>T]CCTGTCCTGTGCAGTCAGCAAGAGACGGCTGGAGTGTGAGGAGTGTGGCGGCCTGGGCTC-3'
Protein context (NP_066124.1, residues 506-526): GSYVAEEAGC[Pro516Leu]LSCAVSKRRL

ClinVar aggregate classification (germline): Uncertain significance (1 of 4 stars; one submission).

Conditions:
Hereditary cancer-predisposing syndrome. Also called: Hereditary Cancer Syndrome; Hereditary neoplastic syndrome; Neoplastic Syndromes, Hereditary; Tumor predisposition. Identifiers: Orphanet 140162, MedGen C0027672, MeSH D009386, MONDO:0015356.

Submission:

Ambry Genetics
Classification: Uncertain significance for Hereditary cancer-predisposing syndrome. Last evaluated: 2025-10-21. Review status: criteria provided, single submitter. Criteria: Ambry Variant Classification Scheme 2023. Collection method: clinical testing. Allele origin: germline.
Comment: The p.P516L variant (also known as c.1547C>T), located in coding exon 8 of the RET gene, results from a C to T substitution at nucleotide position 1547. The proline at codon 516 is replaced by leucine, an amino acid with similar properties. This amino acid position is well conserved in available vertebrate species. In addition, the in silico prediction for this alteration is inconclusive. Based on the available evidence, the clinical significance of this variant remains unclear.